The following is an entry in ClinVar:

ClinVar aggregate classification (germline): Benign/Likely benign. Review status: criteria provided, multiple submitters, no conflicts (2 of 4 stars). 5 submissions from 5 submitters: Benign (1); Likely benign (3). 1 of the submissions does not count toward it. Last evaluated 2025-11-19.

Conditions:
Autosomal dominant hypocalcemia 2. Identifiers: Orphanet 2238, Orphanet 428, MedGen C3809243, MONDO:0014146, OMIM 615361.
Familial hypocalciuric hypercalcemia 2. Also called: Hypocalciuric hypercalcemia, familial, type II; Hypocalciuric hypercalcemia, type II; FAMILIAL BENIGN HYPERCALCEMIA, TYPE II. Identifiers: Orphanet 101049, Orphanet 405, MedGen C1840347, MONDO:0007792, OMIM 145981.
GNA11-related disorder. Also called: GNA11-related condition.

Allele frequency attached by ClinVar (database versions not stated): gnomAD 0.00008 and 0.00009; TOPMed 0.00009; gnomAD exomes 0.00015 and 0.00032; ESP Exome Variant Server 0.00023; ExAC 0.00024.
gnomAD v4.1: 251 of 1,614,020 alleles (0.016%); highest among the groups gnomAD compares: Middle Eastern, 0.33%; no homozygotes.

Submissions (5):

Labcorp Genetics (formerly Invitae), Labcorp
Classification: Benign. Last evaluated: 2025-11-19. Review status: criteria provided, single submitter. Criteria: Invitae Variant Classification Sherloc (09022015). Collection method: clinical testing. Allele origin: germline.

Blueprint Genetics
Classification: Likely benign. Last evaluated: 2024-09-20. Review status: criteria provided, single submitter. Criteria: ACMG Guidelines, 2015. Collection method: clinical testing. Allele origin: germline.

Fulgent Genetics
Classification: Likely benign for Familial hypocalciuric hypercalcemia 2; Autosomal dominant hypocalcemia 2. Last evaluated: 2022-01-13. Review status: criteria provided, single submitter. Criteria: ACMG Guidelines, 2015. Collection method: clinical testing. Allele origin: unknown.

GeneDx
Classification: Likely benign. Last evaluated: 2021-04-06. Review status: criteria provided, single submitter. Criteria: GeneDx Variant Classification Process June 2021. Collection method: clinical testing. Allele origin: germline. Affected: yes.

PreventionGenetics, part of Exact Sciences
Classification: Likely benign for GNA11-related condition. Last evaluated: 2019-07-12. Review status: no assertion criteria provided. Collection method: clinical testing. Allele origin: germline. Not counted in ClinVar's aggregate classification.
Comment: This variant is classified as likely benign based on ACMG/AMP sequence variant interpretation guidelines (Richards et al. 2015 PMID: 25741868, with internal and published modifications).

NM_002067.5(GNA11):c.240C>T (p.Tyr80=)

Gene: GNA11 (G protein subunit alpha 11; plus strand). Cytogenetic location: 19p13.3.
Variant type: single nucleotide variant.
Coding change: c.240C>T on transcript NM_002067.5 (MANE Select); coding-DNA position 240, C replaced by T.
Protein change: p.Tyr80=; no amino-acid change (tyrosine 80 retained).
Molecular consequence: synonymous variant.
Genome position (GRCh38, 1-based): chr19:3,110,252, C>T. VCF-style: chr19-3110252-C-T. GRCh37 (hg19) VCF-style: chr19-3110250-C-T.
Other names: c.240C>T (NM_002067.4).
Identifiers: ClinVar variation 1166476 (VCV001166476.15), dbSNP rs145033220, ClinGen allele CA9074769.